The following is an entry in ClinVar:

NM_000368.5(TSC1):c.914-4T>G

Gene: TSC1 (TSC complex subunit 1; minus strand). Cytogenetic location: 9q34.13.
Variant type: single nucleotide variant.
Coding change: c.914-4T>G on transcript NM_000368.5 (MANE Select); 4 bases into the intron before coding-DNA position 914, T replaced by G.
Molecular consequence: intron variant.
Genome position (GRCh38, 1-based): chr9:132,911,572, A>C on the plus strand (T>G on the coding strand, the complement: TSC1 is on the minus strand). VCF-style: chr9-132911572-A-C. GRCh37 (hg19) VCF-style: chr9-135786959-A-C.
Other names: c.551-4T>G (NM_001362177.2); c.761-4T>G (NM_001162427.2); c.914-4T>G (NM_001162426.2).
Identifiers: ClinVar variation 1086158 (VCV001086158.11), dbSNP rs2131982922, ClinGen allele CA2499219725.

ClinVar aggregate classification (germline): Conflicting classifications of pathogenicity. Review status: criteria provided, conflicting classifications (1 of 4 stars). 2 submissions from 2 submitters: Uncertain significance (1); Likely benign (1). Last evaluated 2021-03-10.

Conditions:
Hereditary cancer-predisposing syndrome. Also called: Neoplastic Syndromes, Hereditary; Hereditary neoplastic syndrome; Hereditary Cancer Syndrome; Tumor predisposition. Identifiers: Orphanet 140162, MedGen C0027672, MeSH D009386, MONDO:0015356.
Tuberous sclerosis 1 (TSC1). Identifiers: Orphanet 805, MedGen C1854465, MONDO:0008612, OMIM 191100.

Submissions (2):

Ambry Genetics
Classification: Uncertain significance for Hereditary cancer-predisposing syndrome. Last evaluated: 2021-03-10. Review status: criteria provided, single submitter. Criteria: Ambry Variant Classification Scheme 2023. Collection method: clinical testing. Allele origin: germline.
Comment: The c.914-4T>G intronic variant results from a T to G substitution 4 nucleotides upstream from coding exon 8 in the TSC1 gene. This nucleotide position is not well conserved in available vertebrate species. In silico splice site analysis predicts that this alteration will not have any significant effect on splicing. Since supporting evidence is limited at this time, the clinical significance of this alteration remains unclear.

Labcorp Genetics (formerly Invitae), Labcorp
Classification: Likely benign for Tuberous sclerosis 1. Last evaluated: 2020-02-05. Review status: criteria provided, single submitter. Criteria: Invitae Variant Classification Sherloc (09022015). Collection method: clinical testing. Allele origin: germline.